The following is an entry in ClinVar:

ClinVar aggregate classification (germline): Uncertain significance. Review status: criteria provided, multiple submitters, no conflicts (2 of 4 stars). 2 submissions from 2 submitters: Uncertain significance (2). Last evaluated 2024-10-19.

Allele frequency attached by ClinVar (database versions not stated): ExAC 0.00001; gnomAD 0.00001; TOPMed 0.00002.
gnomAD v4.1: 51 of 1,209,435 alleles (0.0042%); highest among the groups gnomAD compares: Non-Finnish European, 0.0056%; no homozygotes.

Submissions (2):

Ambry Genetics
Classification: Uncertain significance. Last evaluated: 2024-10-19. Review status: criteria provided, single submitter. Criteria: Ambry Variant Classification Scheme 2023. Collection method: clinical testing. Allele origin: germline.

Labcorp Genetics (formerly Invitae), Labcorp
Classification: Uncertain significance. Last evaluated: 2024-10-17. Review status: criteria provided, single submitter. Criteria: Invitae Variant Classification Sherloc (09022015). Collection method: clinical testing. Allele origin: germline.
Comment: This sequence change replaces valine, which is neutral and non-polar, with methionine, which is neutral and non-polar, at codon 109 of the RNF113A protein (p.Val109Met). This variant is present in population databases (rs746787077, gnomAD 0.002%). This variant has not been reported in the literature in individuals affected with RNF113A-related conditions. Invitae Evidence Modeling of protein sequence and biophysical properties (such as structural, functional, and spatial information, amino acid conservation, physicochemical variation, residue mobility, and thermodynamic stability) indicates that this missense variant is not expected to disrupt RNF113A protein function with a negative predictive value of 80%. In summary, the available evidence is currently insufficient to determine the role of this variant in disease. Therefore, it has been classified as a Variant of Uncertain Significance.

NM_006978.3(RNF113A):c.325G>A (p.Val109Met)

Gene: RNF113A (ring finger protein 113A; minus strand). Cytogenetic location: Xq24.
Variant type: single nucleotide variant.
Coding change: c.325G>A on transcript NM_006978.3 (MANE Select); coding-DNA position 325, G replaced by A.
Protein change: p.Val109Met; replaces valine 109 with methionine.
Molecular consequence: missense variant.
Genome position (GRCh38, 1-based): chrX:119,871,289, C>T on the plus strand (G>A on the coding strand, the complement: RNF113A is on the minus strand). VCF-style: chrX-119871289-C-T. GRCh37 (hg19) VCF-style: chrX-119005252-C-T.
Other names: c.325G>A (NM_006978.2); short protein forms V109M.
Identifiers: ClinVar variation 3023301 (VCV003023301.4), dbSNP rs746787077, ClinGen allele CA10503475.